The following is an entry in ClinVar:

NM_003126.4(SPTA1):c.5347G>T (p.Ala1783Ser)

Gene: SPTA1 (spectrin alpha, erythrocytic 1; minus strand). Cytogenetic location: 1q23.1.
Variant type: single nucleotide variant.
Coding change: c.5347G>T on transcript NM_003126.4 (MANE Select); coding-DNA position 5347, G replaced by T.
Protein change: p.Ala1783Ser; replaces alanine 1783 with serine.
Molecular consequence: missense variant.
Genome position (GRCh38, 1-based): chr1:158,635,998, C>A on the plus strand (G>T on the coding strand, the complement: SPTA1 is on the minus strand). VCF-style: chr1-158635998-C-A. GRCh37 (hg19) VCF-style: chr1-158605788-C-A.
Other names: short protein forms A1783S.
Identifiers: ClinVar variation 4804486 (VCV004804486.1).
Genomic context (GRCh38, chr1:158,635,998, plus strand): 5'-TCTCCCAGTGTTCAACAAACTGAGCCAGCCGCAACTGGATCTCCTCTTGCCCCACAGCAG[C>A]CTTGTCTTTCAGCTTCTCTGCCATATCCAGCACATTCTGAAGAACAACCCCGATACATGT-3'
Protein context (NP_003117.2, residues 1773-1793): LDMAEKLKDK[Ala1783Ser]AVGQEEIQLR

ClinVar aggregate classification (germline): Uncertain significance (1 of 4 stars; one submission).

Submission:

Labcorp Genetics (formerly Invitae), Labcorp
Classification: Uncertain significance. Last evaluated: 2025-07-13. Review status: criteria provided, single submitter. Criteria: Invitae Variant Classification Sherloc (09022015). Collection method: clinical testing. Allele origin: germline.
Comment: This sequence change replaces alanine, which is neutral and non-polar, with serine, which is neutral and polar, at codon 1783 of the SPTA1 protein (p.Ala1783Ser). This variant is not present in population databases (gnomAD no frequency). This variant has not been reported in the literature in individuals affected with SPTA1-related conditions. Invitae Evidence Modeling of protein sequence and biophysical properties (such as structural, functional, and spatial information, amino acid conservation, physicochemical variation, residue mobility, and thermodynamic stability) indicates that this missense variant is not expected to disrupt SPTA1 protein function with a negative predictive value of 80%. In summary, the available evidence is currently insufficient to determine the role of this variant in disease. Therefore, it has been classified as a Variant of Uncertain Significance.